The following is an entry in ClinVar:

ClinVar aggregate classification (germline): Pathogenic/Likely pathogenic. Review status: criteria provided, multiple submitters, no conflicts (2 of 4 stars). 4 submissions from 4 submitters: Pathogenic (1); Likely pathogenic (2). 1 of the submissions does not count toward it. Last evaluated 2024-12-30.

Conditions:
FANCE-related disorders.
Fanconi anemia complementation group E (FANCE). Also called: FANCE-Related Fanconi Anemia. Identifiers: Orphanet 84, MedGen C3160739, MONDO:0010953, OMIM 600901.

Submissions (4):

Labcorp Genetics (formerly Invitae), Labcorp
Classification: Pathogenic for Fanconi anemia complementation group E. Last evaluated: 2024-12-30. Review status: criteria provided, single submitter. Criteria: Invitae Variant Classification Sherloc (09022015). Collection method: clinical testing. Allele origin: germline.
Comment: This sequence change creates a premature translational stop signal (p.Pro310Glnfs*54) in the FANCE gene. It is expected to result in an absent or disrupted protein product. Loss-of-function variants in FANCE are known to be pathogenic (PMID: 11001585, 17924555). The frequency data for this variant in the population databases is considered unreliable, as metrics indicate poor data quality at this position in the gnomAD database. This variant has not been reported in the literature in individuals affected with FANCE-related conditions. ClinVar contains an entry for this variant (Variation ID: 134335). For these reasons, this variant has been classified as Pathogenic.

Baylor Genetics
Classification: Likely pathogenic for Fanconi anemia complementation group E. Last evaluated: 2024-01-03. Review status: criteria provided, single submitter. Criteria: ACMG Guidelines, 2015. Collection method: clinical testing. Allele origin: unknown.

Blueprint Genetics
Classification: Likely pathogenic for FANCE-related disorders. Last evaluated: 2018-12-07. Review status: criteria provided, single submitter. Criteria: ACMG Guidelines, 2015. Collection method: clinical testing. Allele origin: germline. Affected: yes. Observed: 1 variant allele.

ITMI
No classification provided. Condition: AllHighlyPenetrant. Last evaluated: 2013-09-19. Review status: no classification provided. Collection method: reference population. Allele origin: germline. Not counted in ClinVar's aggregate classification.
Comment: Please see associated publication for description of ethnicities

Literature cited by the submitters: PubMed 11001585 (cited by Labcorp Genetics (formerly Invitae), Labcorp); PubMed 17924555 (cited by Labcorp Genetics (formerly Invitae), Labcorp); PubMed 24728327 (cited by ITMI).

NM_021922.3(FANCE):c.929del (p.Pro310fs)

Gene: FANCE (FA complementation group E; plus strand). Cytogenetic location: 6p21.31.
Variant type: Deletion.
Coding change: c.929del on transcript NM_021922.3 (MANE Select); coding-DNA position 929, one base deleted (C; older notation c.929delC).
Protein change: p.Pro310fs; shifts the reading frame from proline 310.
Molecular consequence: frameshift variant.
Genome position (GRCh38, 1-based): chr6:35,457,944, C deleted; the last of 7 consecutive C bases (chr6:35,457,938-35,457,944); deleting any one gives the same sequence. VCF-style (leftmost placement, unchanged base first): chr6-35457937-GC-G. GRCh37 (hg19) VCF-style: chr6-35425714-GC-G.
Other names: short protein forms P310fs.
Identifiers: ClinVar variation 134335 (VCV000134335.6), dbSNP rs587778337, ClinGen allele CA159534.